The following is an entry in ClinVar:

NM_181703.4(GJA5):c.212C>G (p.Pro71Arg)

Gene: GJA5 (gap junction protein alpha 5; minus strand). Cytogenetic location: 1q21.2.
Variant type: single nucleotide variant.
Coding change: c.212C>G on transcript NM_181703.4 (MANE Select); coding-DNA position 212, C replaced by G.
Protein change: p.Pro71Arg; replaces proline 71 with arginine.
Molecular consequence: missense variant.
Genome position (GRCh38, 1-based): chr1:147,759,027, G>C on the plus strand (C>G on the coding strand, the complement: GJA5 is on the minus strand). VCF-style: chr1-147759027-G-C. GRCh37 (hg19) VCF-style: chr1-147231135-G-C.
Other names: c.212C>G, p.Pro71Arg (NM_005266.7); short protein forms P71R.
Identifiers: ClinVar variation 4791373 (VCV004791373.1).

ClinVar aggregate classification (germline): Uncertain significance (1 of 4 stars; one submission).

Conditions:
Atrial fibrillation, familial, 11 (ATFB11). Identifiers: MedGen C3279693, MONDO:0013544, OMIM 614049.
Atrial standstill 1 (ATRST1). Also called: ATRIAL CARDIOMYOPATHY WITH HEART BLOCK; CARDIOMYOPATHY, FAMILIAL, WITH CONDUCTION DISTURBANCE; Atrial standstill, digenic (GJA5/SCN5A). Identifiers: Orphanet 1344, MedGen C4551959, MONDO:0007171, OMIM 108770.

Submission:

Labcorp Genetics (formerly Invitae), Labcorp
Classification: Uncertain significance for Atrial fibrillation, familial, 11; Atrial standstill 1. Last evaluated: 2025-12-16. Review status: criteria provided, single submitter. Criteria: Invitae Variant Classification Sherloc (09022015). Collection method: clinical testing. Allele origin: germline.
Comment: This sequence change replaces proline, which is neutral and non-polar, with arginine, which is basic and polar, at codon 71 of the GJA5 protein (p.Pro71Arg). This variant is not present in population databases (gnomAD no frequency). This variant has not been reported in the literature in individuals affected with GJA5-related conditions. Invitae Evidence Modeling of protein sequence and biophysical properties (such as structural, functional, and spatial information, amino acid conservation, physicochemical variation, residue mobility, and thermodynamic stability) indicates that this missense variant is expected to disrupt GJA5 protein function with a positive predictive value of 80%. In summary, the available evidence is currently insufficient to determine the role of this variant in disease. Therefore, it has been classified as a Variant of Uncertain Significance.